The following is an entry in ClinVar:

ClinVar aggregate classification (germline): Uncertain significance (1 of 4 stars; one submission).

gnomAD v4.1: 5 of 1,614,168 alleles (0.00031%); highest among the groups gnomAD compares: South Asian, 0.0011%; no homozygotes.

Submission:

Women's Health and Genetics/Laboratory Corporation of America, LabCorp
Classification: Uncertain significance. Last evaluated: 2024-12-10. Review status: criteria provided, single submitter. Criteria: LabCorp Variant Classification Summary - May 2015. Collection method: clinical testing. Allele origin: germline.
Comment: Variant summary: KMT2C c.10757C>T (p.Thr3586Ile) results in a non-conservative amino acid change in the encoded protein sequence. Four of five in-silico tools predict a benign effect of the variant on protein function. The variant allele was found at a frequency of 4e-06 in 250966 control chromosomes. The available data on variant occurrences in the general population are insufficient to allow any conclusion about variant significance. To our knowledge, no occurrence of c.10757C>T in individuals affected with Kleefstra Syndrome 2 and no experimental evidence demonstrating its impact on protein function have been reported. No submitters have cited clinical-significance assessments for this variant to ClinVar. Based on the evidence outlined above, the variant was classified as uncertain significance.

NM_170606.3(KMT2C):c.10757C>T (p.Thr3586Ile)

Gene: KMT2C (lysine methyltransferase 2C; minus strand). Cytogenetic location: 7q36.1.
Variant type: single nucleotide variant.
Coding change: c.10757C>T on transcript NM_170606.3 (MANE Select); coding-DNA position 10757, C replaced by T.
Protein change: p.Thr3586Ile; replaces threonine 3586 with isoleucine.
Molecular consequence: missense variant.
Genome position (GRCh38, 1-based): chr7:152,162,820, G>A on the plus strand (C>T on the coding strand, the complement: KMT2C is on the minus strand). VCF-style: chr7-152162820-G-A. GRCh37 (hg19) VCF-style: chr7-151859905-G-A.
Other names: short protein forms T3586I.
Identifiers: ClinVar variation 3768164 (VCV003768164.1).